The following is an entry in ClinVar:

NM_001371596.2(MFSD8):c.235G>C (p.Val79Leu)

Gene: MFSD8 (major facilitator superfamily domain containing 8; minus strand). Cytogenetic location: 4q28.2.
Variant type: single nucleotide variant.
Coding change: c.235G>C on transcript NM_001371596.2 (MANE Select); coding-DNA position 235, G replaced by C.
Protein change: p.Val79Leu; replaces valine 79 with leucine.
Molecular consequence: missense variant.
Genome position (GRCh38, 1-based): chr4:127,943,956, C>G on the plus strand (G>C on the coding strand, the complement: MFSD8 is on the minus strand). VCF-style: chr4-127943956-C-G. GRCh37 (hg19) VCF-style: chr4-128865111-C-G.
Other names: c.235G>C, p.Val79Leu (NM_001363520.3, NM_001363521.3, NM_001371591.2 and 5 more transcripts); c.100G>C, p.Val34Leu (NM_001371590.2, NM_001371595.1, NM_001410765.1); short protein forms V34L, V79L.
Identifiers: ClinVar variation 1347231 (VCV001347231.8), dbSNP rs749244700, ClinGen allele CA3077509.

ClinVar aggregate classification (germline): Uncertain significance. Review status: criteria provided, multiple submitters, no conflicts (2 of 4 stars). 2 submissions from 2 submitters: Uncertain significance (2). Last evaluated 2022-07-26.

Conditions:
Inborn genetic diseases. Identifiers: MedGen C0950123, MeSH D030342.
Neuronal ceroid lipofuscinosis 7 (CLN7). Also called: MFSD8-Related Neuronal Ceroid-Lipofuscinosis. Identifiers: Orphanet 168491, Orphanet 228366, MedGen C1838571, MONDO:0012588, OMIM 610951.

Allele frequency attached by ClinVar (database versions not stated): TOPMed 0.00001.
gnomAD v4.1: 8 of 1,614,130 alleles (0.0005%); highest among the groups gnomAD compares: Admixed American, 0.013%; no homozygotes.

Submissions (2):

Labcorp Genetics (formerly Invitae), Labcorp
Classification: Uncertain significance for Neuronal ceroid lipofuscinosis 7. Last evaluated: 2022-07-26. Review status: criteria provided, single submitter. Criteria: Invitae Variant Classification Sherloc (09022015). Collection method: clinical testing. Allele origin: germline.
Comment: This sequence change replaces valine, which is neutral and non-polar, with leucine, which is neutral and non-polar, at codon 79 of the MFSD8 protein (p.Val79Leu). This variant is present in population databases (rs749244700, gnomAD 0.02%). This variant has not been reported in the literature in individuals affected with MFSD8-related conditions. ClinVar contains an entry for this variant (Variation ID: 1347231). Algorithms developed to predict the effect of missense changes on protein structure and function are either unavailable or do not agree on the potential impact of this missense change (SIFT: "Deleterious"; PolyPhen-2: "Benign"; Align-GVGD: "Class C0"). Algorithms developed to predict the effect of sequence changes on RNA splicing suggest that this variant may create or strengthen a splice site. In summary, the available evidence is currently insufficient to determine the role of this variant in disease. Therefore, it has been classified as a Variant of Uncertain Significance.

Ambry Genetics
Classification: Uncertain significance for Inborn genetic diseases. Last evaluated: 2018-07-27. Review status: criteria provided, single submitter. Criteria: Ambry Variant Classification Scheme 2023. Collection method: clinical testing. Allele origin: germline.
Comment: The p.V79L variant (also known as c.235G>C), located in coding exon 4 of the MFSD8 gene, results from a G to C substitution at nucleotide position 235. The valine at codon 79 is replaced by leucine, an amino acid with highly similar properties. This amino acid position is not well conserved in available vertebrate species. In addition, this alteration is predicted to be tolerated by in silico analysis. Since supporting evidence is limited at this time, the clinical significance of this alteration remains unclear.